The following is an entry in ClinVar:

ClinVar aggregate classification (germline): Likely benign (1 of 4 stars; one submission).

Submission:

CeGaT Center for Human Genetics Tuebingen
Classification: Likely benign. Last evaluated: 2026-05-01. Review status: criteria provided, single submitter. Criteria: CeGaT Center For Human Genetics Tuebingen Variant Classification Criteria Version 2. Collection method: clinical testing. Allele origin: germline. Affected: yes. Observed: 1 variant allele.
Comment: MUC12: BP4, BP7

NM_001164462.2(MUC12):c.8325C>T (p.Pro2775=)

Gene: MUC12 (mucin 12, cell surface associated; plus strand). Cytogenetic location: 7q22.1.
Variant type: single nucleotide variant.
Coding change: c.8325C>T on transcript NM_001164462.2 (MANE Select); coding-DNA position 8325, C replaced by T.
Protein change: p.Pro2775=; no amino-acid change (proline 2775 retained).
Molecular consequence: synonymous variant.
Genome position (GRCh38, 1-based): chr7:100,998,888, C>T. VCF-style: chr7-100998888-C-T. GRCh37 (hg19) VCF-style: chr7-100642169-C-T.
Identifiers: ClinVar variation 4872463 (VCV004872463.2).